The following is an entry in ClinVar:

NM_001164277.2(SLC37A4):c.209T>C (p.Leu70Pro)

Gene: SLC37A4 (solute carrier family 37 member 4; minus strand). Cytogenetic location: 11q23.3.
Variant type: single nucleotide variant.
Coding change: c.209T>C on transcript NM_001164277.2 (MANE Select); coding-DNA position 209, T replaced by C.
Protein change: p.Leu70Pro; replaces leucine 70 with proline.
Molecular consequence: missense variant. On other transcripts: 5 prime UTR variant (1).
Genome position (GRCh38, 1-based): chr11:119,028,366, A>G on the plus strand (T>C on the coding strand, the complement: SLC37A4 is on the minus strand). VCF-style: chr11-119028366-A-G. GRCh37 (hg19) VCF-style: chr11-118899076-A-G.
Other names: c.209T>C, p.Leu70Pro (NM_001164278.2, NM_001164280.2, NM_001467.6); c.-11T>C (NM_001164279.2); short protein forms L70P.
Identifiers: ClinVar variation 3389828 (VCV003389828.14).

ClinVar aggregate classification (germline): Uncertain significance (1 of 4 stars; one submission).

Submission:

CeGaT Center for Human Genetics Tuebingen
Classification: Uncertain significance. Last evaluated: 2024-10-01. Review status: criteria provided, single submitter. Criteria: CeGaT Center For Human Genetics Tuebingen Variant Classification Criteria Version 2. Collection method: clinical testing. Allele origin: germline. Affected: yes. Observed: 1 variant allele.
Comment: SLC37A4: PM2